The following is an entry in ClinVar:

NM_001166108.2(PALLD):c.2891A>T (p.Asp964Val)

Genes: CBR4 (carbonyl reductase 4; minus strand), PALLD (palladin, cytoskeletal associated protein; plus strand). Cytogenetic location: 4q32.3.
Variant type: single nucleotide variant.
Coding change: c.2891A>T on transcript NM_001166108.2 (MANE Select); coding-DNA position 2891, A replaced by T.
Protein change: p.Asp964Val; replaces aspartic acid 964 with valine.
Molecular consequence: missense variant.
Genome position (GRCh38, 1-based): chr4:168,921,574, A>T. VCF-style: chr4-168921574-A-T. GRCh37 (hg19) VCF-style: chr4-169842725-A-T.
Other names: c.1694A>T, p.Asp565Val (NM_001166109.2); c.1379A>T, p.Asp460Val (NM_001166110.2); c.719A>T, p.Asp240Val (NM_001367567.1, NM_001367569.1); c.770A>T, p.Asp257Val (NM_001367568.1, NM_001367570.1); c.2840A>T, p.Asp947Val (NM_016081.4); short protein forms D257V, D947V, D565V, D964V, D240V, D460V.
Identifiers: ClinVar variation 1796713 (VCV001796713.2), dbSNP rs750112132, ClinGen allele CA358708500.

ClinVar aggregate classification (germline): Uncertain significance (1 of 4 stars; one submission).

Submission:

Ambry Genetics
Classification: Uncertain significance. Last evaluated: 2022-10-08. Review status: criteria provided, single submitter. Criteria: Ambry Variant Classification Scheme 2023. Collection method: clinical testing. Allele origin: germline.
Comment: The p.D947V variant (also known as c.2840A>T), located in coding exon 16 of the PALLD gene, results from an A to T substitution at nucleotide position 2840. The aspartic acid at codon 947 is replaced by valine, an amino acid with highly dissimilar properties. This amino acid position is conserved. In addition, the in silico prediction for this alteration is inconclusive. Since supporting evidence is limited at this time, the clinical significance of this alteration remains unclear.